The following is an entry in ClinVar:

NM_001008537.3(NEXMIF):c.602C>A (p.Ser201Ter)

Gene: NEXMIF (neurite extension and migration factor; minus strand). Cytogenetic location: Xq13.3.
Variant type: single nucleotide variant.
Coding change: c.602C>A on transcript NM_001008537.3 (MANE Select); coding-DNA position 602, C replaced by A.
Protein change: p.Ser201Ter; replaces serine 201 with a stop codon.
Molecular consequence: nonsense.
Genome position (GRCh38, 1-based): chrX:74,743,955, G>T on the plus strand (C>A on the coding strand, the complement: NEXMIF is on the minus strand). VCF-style: chrX-74743955-G-T. GRCh37 (hg19) VCF-style: chrX-73963790-G-T.
Other names: short protein forms S201*.
Identifiers: ClinVar variation 3648181 (VCV003648181.2).

ClinVar aggregate classification (germline): Pathogenic (1 of 4 stars; one submission).

Submission:

Labcorp Genetics (formerly Invitae), Labcorp
Classification: Pathogenic. Last evaluated: 2025-06-04. Review status: criteria provided, single submitter. Criteria: Invitae Variant Classification Sherloc (09022015). Collection method: clinical testing. Allele origin: germline.
Comment: This sequence change creates a premature translational stop signal (p.Ser201*) in the NEXMIF gene. It is expected to result in an absent or disrupted protein product. Loss-of-function variants in NEXMIF are known to be pathogenic (PMID: 23615299). This variant is not present in population databases (gnomAD no frequency). This variant has not been reported in the literature in individuals affected with NEXMIF-related conditions. ClinVar contains an entry for this variant (Variation ID: 3648181). For these reasons, this variant has been classified as Pathogenic.

Literature cited by the submitters: PubMed 23615299.